The following is an entry in ClinVar:

NM_001039141.3(TRIOBP):c.4773C>T (p.Ala1591=)

Gene: TRIOBP (TRIO and F-actin binding protein; plus strand). Cytogenetic location: 22q13.1.
Variant type: single nucleotide variant.
Coding change: c.4773C>T on transcript NM_001039141.3 (MANE Select); coding-DNA position 4773, C replaced by T.
Protein change: p.Ala1591=; no amino-acid change (alanine 1591 retained).
Molecular consequence: synonymous variant.
Genome position (GRCh38, 1-based): chr22:37,735,109, C>T. VCF-style: chr22-37735109-C-T. GRCh37 (hg19) VCF-style: chr22-38131116-C-T.
Identifiers: ClinVar variation 228033 (VCV000228033.6), dbSNP rs876657594, ClinGen allele CA10577146.

ClinVar aggregate classification (germline): Likely benign. Review status: criteria provided, multiple submitters, no conflicts (2 of 4 stars). 2 submissions from 2 submitters: Likely benign (2). Last evaluated 2022-11-18.

Allele frequency attached by ClinVar (database versions not stated): TOPMed below 0.00001; gnomAD 0.00001; gnomAD exomes 0.00001.
gnomAD v4.1: 8 of 1,608,010 alleles (0.0005%); highest among the groups gnomAD compares: Non-Finnish European, 0.00068%; no homozygotes.

Submissions (2):

Blueprint Genetics
Classification: Likely benign. Last evaluated: 2022-11-18. Review status: criteria provided, single submitter. Criteria: ACMG Guidelines, 2015. Collection method: clinical testing. Allele origin: germline.

Laboratory for Molecular Medicine, Mass General Brigham Personalized Medicine
Classification: Likely benign. Last evaluated: 2015-07-31. Review status: criteria provided, single submitter. Criteria: LMM Criteria. Collection method: clinical testing. Allele origin: germline. Observed: 1 variant allele.
Comment: p.Ala1591Ala in exon 9 of TRIOBP: This variant is not expected to have clinical significance because it does not alter an amino acid residue and is not located within the splice consensus sequence.